The following is an entry in ClinVar:

NM_000038.6(APC):c.588C>T (p.Ile196=)

Gene: APC (APC regulator of Wnt signaling pathway; plus strand). Cytogenetic location: 5q22.2.
Variant type: single nucleotide variant.
Coding change: c.588C>T on transcript NM_000038.6 (MANE Select); coding-DNA position 588, C replaced by T.
Protein change: p.Ile196=; no amino-acid change (isoleucine 196 retained).
Molecular consequence: synonymous variant. On other transcripts: 5 prime UTR variant (1).
Genome position (GRCh38, 1-based): chr5:112,780,846, C>T. VCF-style: chr5-112780846-C-T. GRCh37 (hg19) VCF-style: chr5-112116543-C-T.
Other names: c.588C>T, p.Ile196= (NM_001127510.3, NM_001354895.2, NM_001354896.2 and 2 more transcripts); c.618C>T, p.Ile206= (NM_001127511.3, NM_001354897.2, NM_001354902.2); c.513C>T, p.Ile171= (NM_001354898.2, NM_001354904.2); c.411C>T, p.Ile137= (NM_001354900.2, NM_001354901.2, NM_001354905.2); c.-448C>T (NM_001354906.2).
Identifiers: ClinVar variation 232855 (VCV000232855.22), dbSNP rs147846364, ClinGen allele CA043300.

ClinVar aggregate classification (germline): Benign/Likely benign. Review status: criteria provided, multiple submitters, no conflicts (2 of 4 stars). 7 submissions from 7 submitters: Benign (1); Likely benign (6). Last evaluated 2026-01-27.

Conditions:
Classic or attenuated familial adenomatous polyposis. Identifiers: MedGen CN372698, MONDO:0021057.
Hereditary cancer-predisposing syndrome. Also called: Neoplastic Syndromes, Hereditary; Tumor predisposition; Hereditary Cancer Syndrome; Hereditary neoplastic syndrome. Identifiers: Orphanet 140162, MedGen C0027672, MeSH D009386, MONDO:0015356.
Familial adenomatous polyposis 1 (FAP1). Also called: FAMILIAL ADENOMATOUS POLYPOSIS 1, ATTENUATED; POLYPOSIS, ADENOMATOUS INTESTINAL. Identifiers: MedGen C2713442, MONDO:0021056, OMIM 175100. Disease mechanism: loss of function.

Allele frequency attached by ClinVar (database versions not stated): ExAC 0.00001; gnomAD exomes 0.00001; gnomAD 0.00004; TOPMed 0.00005; ESP Exome Variant Server 0.00008.
gnomAD v4.1: 13 of 1,613,382 alleles (0.00081%); highest among the groups gnomAD compares: African/African-American, 0.0013%; no homozygotes.

Submissions (7):

Labcorp Genetics (formerly Invitae), Labcorp
Classification: Likely benign for Familial adenomatous polyposis 1. Last evaluated: 2026-01-27. Review status: criteria provided, single submitter. Criteria: Invitae Variant Classification Sherloc (09022015). Collection method: clinical testing. Allele origin: germline.

Myriad Genetics, Inc.
Classification: Benign for Familial adenomatous polyposis 1. Last evaluated: 2024-02-23. Review status: criteria provided, single submitter. Criteria: Myriad Autosomal Dominant, Autosomal Recessive and X-Linked Classification Criteria (2023). Collection method: clinical testing. Allele origin: unknown.
Comment: This variant is considered benign. This variant is a silent/synonymous amino acid change and it is not expected to impact splicing.

All of Us Research Program, National Institutes of Health
Classification: Likely benign for Classic or attenuated familial adenomatous polyposis. Last evaluated: 2024-02-05. Review status: criteria provided, single submitter. Criteria: ACMG Guidelines, 2015. Collection method: clinical testing. Allele origin: germline. Inheritance: Autosomal dominant inheritance. Observed: 9 variant alleles, 9 heterozygotes.
Comment: This study involves interpretation of variants in research participants for the purpose of population health screening. Participant phenotype was not available at the time of variant classification. Additional details can be found in publication PMID: 35346344, PMCID: PMC8962531

Women's Health and Genetics/Laboratory Corporation of America, LabCorp
Classification: Likely benign. Last evaluated: 2024-01-15. Review status: criteria provided, single submitter. Criteria: LabCorp Variant Classification Summary - May 2015. Collection method: clinical testing. Allele origin: germline.

PreventionGenetics, part of Exact Sciences
Classification: Likely benign. Last evaluated: 2017-08-08. Review status: criteria provided, single submitter. Criteria: ACMG Guidelines, 2015. Collection method: clinical testing. Allele origin: germline.

Color Diagnostics, LLC DBA Color Health
Classification: Likely benign for Hereditary cancer-predisposing syndrome. Last evaluated: 2017-01-03. Review status: criteria provided, single submitter. Criteria: ACMG Guidelines, 2015. Collection method: clinical testing. Allele origin: germline.

Ambry Genetics
Classification: Likely benign for Hereditary cancer-predisposing syndrome. Last evaluated: 2016-01-21. Review status: criteria provided, single submitter. Criteria: Ambry Variant Classification Scheme 2023. Collection method: clinical testing. Allele origin: germline.